The following is an entry in ClinVar:

ClinVar aggregate classification (germline): Pathogenic (1 of 4 stars; one submission).

Submission:

Labcorp Genetics (formerly Invitae), Labcorp
Classification: Pathogenic. Last evaluated: 2024-11-18. Review status: criteria provided, single submitter. Criteria: Invitae Variant Classification Sherloc (09022015). Collection method: clinical testing. Allele origin: germline.
Comment: This sequence change creates a premature translational stop signal (p.Glu958*) in the COL2A1 gene. It is expected to result in an absent or disrupted protein product. Loss-of-function variants in COL2A1 are known to be pathogenic (PMID: 20179744). This variant is not present in population databases (gnomAD no frequency). This variant has not been reported in the literature in individuals affected with COL2A1-related conditions. ClinVar contains an entry for this variant (Variation ID: 2728809). For these reasons, this variant has been classified as Pathogenic.

Literature cited by the submitters: PubMed 20179744.

NM_001844.5(COL2A1):c.2872G>T (p.Glu958Ter)

Gene: COL2A1 (collagen type II alpha 1 chain; minus strand). Cytogenetic location: 12q13.11.
Variant type: single nucleotide variant.
Coding change: c.2872G>T on transcript NM_001844.5 (MANE Select); coding-DNA position 2872, G replaced by T.
Protein change: p.Glu958Ter; replaces glutamic acid 958 with a stop codon.
Molecular consequence: nonsense.
Genome position (GRCh38, 1-based): chr12:47,978,620, C>A on the plus strand (G>T on the coding strand, the complement: COL2A1 is on the minus strand). VCF-style: chr12-47978620-C-A. GRCh37 (hg19) VCF-style: chr12-48372403-C-A.
Other names: c.2665G>T, p.Glu889Ter (NM_033150.3); short protein forms E889*, E958*.
Identifiers: ClinVar variation 2728809 (VCV002728809.3), dbSNP rs2540113158, ClinGen allele CA384541865.